The following is an entry in ClinVar:

NM_014727.3(KMT2B):c.4874C>T (p.Ser1625Phe)

Gene: KMT2B (lysine methyltransferase 2B; plus strand). Cytogenetic location: 19q13.12.
Variant type: single nucleotide variant.
Coding change: c.4874C>T on transcript NM_014727.3 (MANE Select); coding-DNA position 4874, C replaced by T.
Protein change: p.Ser1625Phe; replaces serine 1625 with phenylalanine.
Molecular consequence: missense variant.
Genome position (GRCh38, 1-based): chr19:35,729,253, C>T. VCF-style: chr19-35729253-C-T. GRCh37 (hg19) VCF-style: chr19-36220154-C-T.
Other names: short protein forms S1625F.
Identifiers: ClinVar variation 3902668 (VCV003902668.1).
Genomic context (GRCh38, chr19:35,729,253, plus strand): 5'-AGTGGACACACGTCAACTGTGCCATCTGGTCGGCGGAAGTCTTCGAGGAGAACGACGGCT[C>T]CCTCAAGAATGTGCATGCTGCTGTGGCCCGAGGGAGGCAGATGGTGAGGGCGCGGGCGCA-3'
Protein context (NP_055542.1, residues 1615-1635): SAEVFEENDG[Ser1625Phe]LKNVHAAVAR

ClinVar aggregate classification (germline): Uncertain significance (1 of 4 stars; one submission).

Submission:

Women's Health and Genetics/Laboratory Corporation of America, LabCorp
Classification: Uncertain significance. Last evaluated: 2025-05-27. Review status: criteria provided, single submitter. Criteria: LabCorp Variant Classification Summary - May 2015. Collection method: clinical testing. Allele origin: germline.
Comment: Variant summary: KMT2B c.4874C>T (p.Ser1625Phe) results in a non-conservative amino acid change in the encoded protein sequence. Algorithms developed to predict the effect of missense changes on protein structure and function all suggest that this variant is likely to be disruptive. The frequency data for this variant in gnomAD is considered unreliable, as metrics indicate poor data quality at this position. To our knowledge, no occurrence of c.4874C>T in individuals affected with Dystonia 28, Childhood-Onset and no experimental evidence demonstrating its impact on protein function have been reported. No submitters have cited clinical-significance assessments for this variant to ClinVar. Based on the evidence outlined above, the variant was classified as uncertain significance.